The following is an entry in ClinVar:

NM_004946.3(DOCK2):c.1700C>T (p.Thr567Ile)

Gene: DOCK2 (dedicator of cytokinesis 2; plus strand). Cytogenetic location: 5q35.1.
Variant type: single nucleotide variant.
Coding change: c.1700C>T on transcript NM_004946.3 (MANE Select); coding-DNA position 1700, C replaced by T.
Protein change: p.Thr567Ile; replaces threonine 567 with isoleucine.
Molecular consequence: missense variant. On other transcripts: non-coding transcript variant (1).
Genome position (GRCh38, 1-based): chr5:169,714,068, C>T. VCF-style: chr5-169714068-C-T. GRCh37 (hg19) VCF-style: chr5-169141072-C-T.
Other names: short protein forms T567I.
Identifiers: ClinVar variation 1408594 (VCV001408594.6), dbSNP rs540284796, ClinGen allele CA3553571.

ClinVar aggregate classification (germline): Uncertain significance (1 of 4 stars; one submission).

Conditions:
DOCK2 deficiency. Also called: Immunodeficiency 40. Identifiers: Orphanet 447737, MedGen C4225328, MONDO:0014637, OMIM 616433.

Allele frequency attached by ClinVar (database versions not stated): gnomAD exomes below 0.00001 and 0.00001; ExAC 0.00001; TOPMed 0.00001; gnomAD 0.00002.
gnomAD v4.1: 5 of 1,612,932 alleles (0.00031%); highest among the groups gnomAD compares: Non-Finnish European, 0.00042%; no homozygotes.

Submission:

Labcorp Genetics (formerly Invitae), Labcorp
Classification: Uncertain significance for DOCK2 deficiency. Last evaluated: 2021-10-28. Review status: criteria provided, single submitter. Criteria: Invitae Variant Classification Sherloc (09022015). Collection method: clinical testing. Allele origin: germline.
Comment: This variant has not been reported in the literature in individuals affected with DOCK2-related conditions. This sequence change replaces threonine, which is neutral and polar, with isoleucine, which is neutral and non-polar, at codon 567 of the DOCK2 protein (p.Thr567Ile). This variant is present in population databases (rs540284796, gnomAD 0.0009%). Algorithms developed to predict the effect of missense changes on protein structure and function (SIFT, PolyPhen-2, Align-GVGD) all suggest that this variant is likely to be tolerated. In summary, the available evidence is currently insufficient to determine the role of this variant in disease. Therefore, it has been classified as a Variant of Uncertain Significance.